The following is an entry in ClinVar:

ClinVar aggregate classification (germline): Likely benign (0 of 4 stars; one submission).

Conditions:
TAF4B-related disorder. Also called: TAF4B-related condition.

Submissions (4):

PreventionGenetics, part of Exact Sciences
Classification: Likely benign for TAF4B-related condition. Last evaluated: 2019-11-19. Review status: no assertion criteria provided. Collection method: clinical testing. Allele origin: germline.
Comment: This variant is classified as likely benign based on ACMG/AMP sequence variant interpretation guidelines (Richards et al. 2015 PMID: 25741868, with internal and published modifications).

Dr. Peter K. Rogan Lab, Western University
No classification provided (evidence only). Condition: Nonpapillary renal cell carcinoma. Review status: no classification provided. Collection method: in vitro. Allele origin: not applicable. Functional consequence: retained intron. Not counted in ClinVar's aggregate classification.

Dr. Peter K. Rogan Lab, Western University
No classification provided (evidence only). Condition: Gastric cancer. Review status: no classification provided. Collection method: in vitro. Allele origin: not applicable. Functional consequence: retained intron. Not counted in ClinVar's aggregate classification.

Dr. Peter K. Rogan Lab, Western University
No classification provided (evidence only). Condition: Uterine corpus endometrial carcinoma. Review status: no classification provided. Collection method: in vitro. Allele origin: not applicable. Functional consequence: skipped exon. Not counted in ClinVar's aggregate classification.

NM_005640.3(TAF4B):c.1833-9_1833-8del

Gene: TAF4B (TATA-box binding protein associated factor 4b; plus strand). Cytogenetic location: 18q11.2.
Variant type: Deletion.
Coding change: c.1833-9_1833-8del on transcript NM_005640.3 (MANE Select); 9 bases into the intron before coding-DNA position 1833 through 8 bases into the intron before coding-DNA position 1833, 2 bases deleted (TT; older notation c.1833-9_1833-8delTT).
Molecular consequence: intron variant.
Genome position (GRCh38, 1-based): chr18:26,315,220-26,315,221, TT deleted; deleting any 2 consecutive bases within chr18:26,315,210-26,315,221 gives the same sequence; the c. name uses the placement nearest the transcript's 3' end. VCF-style (leftmost placement, unchanged base first): chr18-26315209-CTT-C. GRCh37 (hg19) VCF-style: chr18-23895173-CTT-C.
Other names: NC_000018.9:g.23895184_23895185del; c.1848-9_1848-8del (NM_001293725.2).
Identifiers: ClinVar variation 3045392 (VCV003045392.3), dbSNP rs3842402, ClinGen allele CA8921971.